The following is an entry in ClinVar:

ClinVar aggregate classification (germline): Uncertain significance (1 of 4 stars; one submission).

Conditions:
Gorlin syndrome. Also called: Nevoid Basal Cell Carcinoma Syndrome; Basal cell nevus syndrome. Identifiers: Orphanet 377, MedGen C0004779, MONDO:0007187.

Allele frequency attached by ClinVar (database versions not stated): gnomAD exomes below 0.00001.
gnomAD v4.1: 1 of 1,614,238 alleles (0.000062%); highest among the groups gnomAD compares: Non-Finnish European, 0.000085%; no homozygotes.

Submission:

Labcorp Genetics (formerly Invitae), Labcorp
Classification: Uncertain significance for Gorlin syndrome. Last evaluated: 2022-07-29. Review status: criteria provided, single submitter. Criteria: Invitae Variant Classification Sherloc (09022015). Collection method: clinical testing. Allele origin: germline.
Comment: This sequence change replaces proline, which is neutral and non-polar, with threonine, which is neutral and polar, at codon 841 of the PTCH1 protein (p.Pro841Thr). This variant is not present in population databases (gnomAD no frequency). This variant has not been reported in the literature in individuals affected with PTCH1-related conditions. Advanced modeling of protein sequence and biophysical properties (such as structural, functional, and spatial information, amino acid conservation, physicochemical variation, residue mobility, and thermodynamic stability) performed at Invitae indicates that this missense variant is expected to disrupt PTCH1 protein function. In summary, the available evidence is currently insufficient to determine the role of this variant in disease. Therefore, it has been classified as a Variant of Uncertain Significance.

NM_000264.5(PTCH1):c.2521C>A (p.Pro841Thr)

Genes: PTCH1 (patched 1; minus strand), LOC100507346 (uncharacterized LOC100507346; plus strand). Cytogenetic location: 9q22.32.
Variant type: single nucleotide variant.
Coding change: c.2521C>A on transcript NM_000264.5 (MANE Select); coding-DNA position 2521, C replaced by A.
Protein change: p.Pro841Thr; replaces proline 841 with threonine.
Molecular consequence: missense variant. On other transcripts: non-coding transcript variant (2).
Genome position (GRCh38, 1-based): chr9:95,467,155, G>T on the plus strand (C>A on the coding strand, the complement: PTCH1 is on the minus strand). VCF-style: chr9-95467155-G-T. GRCh37 (hg19) VCF-style: chr9-98229437-G-T.
Other names: c.2323C>A, p.Pro775Thr (NM_001083602.3); c.2518C>A, p.Pro840Thr (NM_001083603.3); c.2068C>A, p.Pro690Thr (NM_001083604.3, NM_001083605.3, NM_001083606.3 and 1 more transcripts); c.2365C>A, p.Pro789Thr (NM_001354918.2); short protein forms P690T, P775T, P789T, P840T, P841T.
Identifiers: ClinVar variation 1714074 (VCV001714074.6), dbSNP rs2117948672, ClinGen allele CA374113821.